The following is an entry in ClinVar:

ClinVar aggregate classification (germline): Likely benign. Review status: criteria provided, multiple submitters, no conflicts (2 of 4 stars). 4 submissions from 4 submitters: Likely benign (4). Last evaluated 2026-01-26.

Conditions:
Inborn genetic diseases. Identifiers: MedGen C0950123, MeSH D030342.
Brown-Vialetto-van Laere syndrome 1. Also called: BROWN-VIALETTO-VAN LAERE SYNDROME 1, MILD; PONTOBULBAR PALSY WITH DEAFNESS; BULBAR PALSY, PROGRESSIVE, WITH SENSORINEURAL DEAFNESS. Identifiers: Orphanet 572550, Orphanet 97229, MedGen C0796274, MONDO:0024537, OMIM 211530.

Allele frequency attached by ClinVar (database versions not stated): gnomAD exomes 0.00008 and 0.00007; gnomAD 0.00013 and 0.00012; TOPMed 0.00007; ESP Exome Variant Server 0.00015; ExAC 0.00007.
gnomAD v4.1: 122 of 1,613,728 alleles (0.0076%); highest among the groups gnomAD compares: Non-Finnish European, 0.0096%; no homozygotes.

Submissions (4):

Labcorp Genetics (formerly Invitae), Labcorp
Classification: Likely benign for Brown-Vialetto-van Laere syndrome 1. Last evaluated: 2026-01-26. Review status: criteria provided, single submitter. Criteria: Invitae Variant Classification Sherloc (09022015). Collection method: clinical testing. Allele origin: germline.

Mayo Clinic Laboratories, Mayo Clinic
Classification: Likely benign. Last evaluated: 2025-12-11. Review status: criteria provided, single submitter. Criteria: ACMG Guidelines, 2015. Collection method: clinical testing. Allele origin: germline. Observed: 1 variant allele.
Comment: BP4, BP7

Blueprint Genetics
Classification: Likely benign. Last evaluated: 2024-11-07. Review status: criteria provided, single submitter. Criteria: ACMG Guidelines, 2015. Collection method: clinical testing. Allele origin: germline.

Ambry Genetics
Classification: Likely benign for Inborn genetic diseases. Last evaluated: 2019-07-11. Review status: criteria provided, single submitter. Criteria: Ambry Variant Classification Scheme 2023. Collection method: clinical testing. Allele origin: germline.

NM_033409.4(SLC52A3):c.438A>G (p.Gly146=)

Gene: SLC52A3 (solute carrier family 52 member 3; minus strand). Cytogenetic location: 20p13.
Variant type: single nucleotide variant.
Coding change: c.438A>G on transcript NM_033409.4 (MANE Select); coding-DNA position 438, A replaced by G.
Protein change: p.Gly146=; no amino-acid change (glycine 146 retained).
Molecular consequence: synonymous variant.
Genome position (GRCh38, 1-based): chr20:765,337, T>C on the plus strand (A>G on the coding strand, the complement: SLC52A3 is on the minus strand). VCF-style: chr20-765337-T-C. GRCh37 (hg19) VCF-style: chr20-745981-T-C.
Other names: p.Gly146=; c.438A>G, p.Gly146= (NM_001370085.1, NM_001370086.1).
Identifiers: ClinVar variation 543061 (VCV000543061.15), dbSNP rs149076913, ClinGen allele CA9724783.